The following is an entry in ClinVar:

NM_001184.4(ATR):c.5587A>G (p.Ser1863Gly)

Gene: ATR (ATR checkpoint kinase; minus strand). Cytogenetic location: 3q23.
Variant type: single nucleotide variant.
Coding change: c.5587A>G on transcript NM_001184.4 (MANE Select); coding-DNA position 5587, A replaced by G.
Protein change: p.Ser1863Gly; replaces serine 1863 with glycine.
Molecular consequence: missense variant.
Genome position (GRCh38, 1-based): chr3:142,497,164, T>C on the plus strand (A>G on the coding strand, the complement: ATR is on the minus strand). VCF-style: chr3-142497164-T-C. GRCh37 (hg19) VCF-style: chr3-142216006-T-C.
Other names: c.5395A>G, p.Ser1799Gly (NM_001354579.2); short protein forms S1799G, S1863G.
Identifiers: ClinVar variation 2587553 (VCV002587553.2), dbSNP rs2108336760, ClinGen allele CA354814985.

ClinVar aggregate classification (germline): Uncertain significance (1 of 4 stars; one submission).

Conditions:
Inborn genetic diseases. Identifiers: MedGen C0950123, MeSH D030342.

Submission:

Ambry Genetics
Classification: Uncertain significance for Inborn genetic diseases. Last evaluated: 2023-06-29. Review status: criteria provided, single submitter. Criteria: Ambry Variant Classification Scheme 2023. Collection method: clinical testing. Allele origin: germline.
Comment: The p.S1863G variant (also known as c.5587A>G), located in coding exon 33 of the ATR gene, results from an A to G substitution at nucleotide position 5587. The serine at codon 1863 is replaced by glycine, an amino acid with similar properties. This amino acid position is conserved. In addition, the in silico prediction for this alteration is inconclusive. Since supporting evidence is limited at this time, the clinical significance of this alteration remains unclear.